The following is an entry in ClinVar:

ClinVar aggregate classification (germline): Uncertain significance (1 of 4 stars; one submission).

gnomAD v4.1: 5 of 1,613,278 alleles (0.00031%); no homozygotes.

Submission:

Ambry Genetics
Classification: Uncertain significance. Last evaluated: 2026-07-14. Review status: criteria provided, single submitter. Criteria: Ambry Variant Classification Scheme 2023. Collection method: clinical testing. Allele origin: germline.
Comment: The p.D110G variant (also known as c.329A>G), located in coding exon 2 of the ATRIP gene, results from an A to G substitution at nucleotide position 329. The aspartic acid at codon 110 is replaced by glycine, an amino acid with similar properties. This amino acid position is conserved. In addition, this alteration is predicted to be tolerated by in silico analysis. Based on the available evidence, the clinical significance of this variant remains unclear.

NM_130384.3(ATRIP):c.329A>G (p.Asp110Gly)

Genes: ATRIP (ATR interacting protein; plus strand), ATRIP-TREX1 (ATRIP-TREX1 readthrough; plus strand). Cytogenetic location: 3p21.31.
Variant type: single nucleotide variant.
Coding change: c.329A>G on transcript NM_130384.3 (MANE Select); coding-DNA position 329, A replaced by G.
Protein change: p.Asp110Gly; replaces aspartic acid 110 with glycine.
Molecular consequence: missense variant. On other transcripts: non-coding transcript variant (1), 5 prime UTR variant (1).
Genome position (GRCh38, 1-based): chr3:48,450,118, A>G. VCF-style: chr3-48450118-A-G. GRCh37 (hg19) VCF-style: chr3-48491524-A-G.
Other names: c.50A>G, p.Asp17Gly (NM_001271023.2); c.329A>G, p.Asp110Gly (NM_032166.4); c.-136A>G (NM_001271022.2); short protein forms D110G, D17G.
Identifiers: ClinVar variation 5032429 (VCV005032429.1).